The following is an entry in ClinVar:

NM_001127222.2(CACNA1A):c.4760A>G (p.Tyr1587Cys)

Gene: CACNA1A (calcium voltage-gated channel subunit alpha1 A; minus strand). Cytogenetic location: 19p13.13.
Variant type: single nucleotide variant.
Coding change: c.4760A>G on transcript NM_001127222.2 (MANE Select); coding-DNA position 4760, A replaced by G.
Protein change: p.Tyr1587Cys; replaces tyrosine 1587 with cysteine.
Molecular consequence: missense variant.
Genome position (GRCh38, 1-based): chr19:13,253,097, T>C on the plus strand (A>G on the coding strand, the complement: CACNA1A is on the minus strand). VCF-style: chr19-13253097-T-C. GRCh37 (hg19) VCF-style: chr19-13363911-T-C.
Other names: c.4772A>G, p.Tyr1591Cys (NM_000068.4, NM_023035.3); c.4763A>G, p.Tyr1588Cys (NM_001127221.2, NM_001174080.2); short protein forms Y1587C, Y1588C, Y1591C.
Identifiers: ClinVar variation 2574366 (VCV002574366.5), dbSNP rs2512720088, ClinGen allele CA404338286.
Genomic context (GRCh38, chr19:13,253,097, plus strand): 5'-AGGGAGGTGAAGACGATGTTGAACACCCGCAGGGCATTTTCATAAGCAACAGAAGCCCCA[T>C]AGAACTAGGGGAAAGAAGCAGGAGTAGCAGGGGTCAGCGAGCAGGGGTGGGAAGTGGGAA-3'
Protein context (NP_001120694.1, residues 1577-1597): LNTIVLMMKF[Tyr1587Cys]GASVAYENAL

ClinVar aggregate classification (germline): Uncertain significance. Review status: criteria provided, multiple submitters, no conflicts (2 of 4 stars). 2 submissions from 2 submitters: Uncertain significance (2). Last evaluated 2025-05-20.

Conditions:
Developmental and epileptic encephalopathy, 42 (DEE42A). Also called: EPILEPTIC ENCEPHALOPATHY, EARLY INFANTILE, 42A; DEVELOPMENTAL AND EPILEPTIC ENCEPHALOPATHY 42A; Epileptic encephalopathy, early infantile, 42. Identifiers: MedGen C4310716, MONDO:0014917, OMIM 617106.
Episodic ataxia type 2 (EA2). Also called: ATAXIA, EPISODIC, WITH NYSTAGMUS; ATAXIA, FAMILIAL PAROXYSMAL; CEREBELLAR ATAXIA, PAROXYSMAL, ACETAZOLAMIDE-RESPONSIVE; CEREBELLOPATHY, HEREDITARY PAROXYSMAL; EPISODIC ATAXIA, NYSTAGMUS-ASSOCIATED; ACETAZOLAMIDE-RESPONSIVE HEREDITARY PAROXYSMAL CEREBELLAR ATAXIA. Identifiers: Orphanet 97, MedGen C1720416, MONDO:0007163, OMIM 108500.

Submissions (2):

GeneDx
Classification: Uncertain significance. Last evaluated: 2025-05-20. Review status: criteria provided, single submitter. Criteria: GeneDx Variant Classification Process June 2021. Collection method: clinical testing. Allele origin: germline. Affected: yes.
Comment: Not observed at significant frequency in large population cohorts (gnomAD); In silico analysis supports that this missense variant has a deleterious effect on protein structure/function; Has not been previously published as pathogenic or benign to our knowledge

Labcorp Genetics (formerly Invitae), Labcorp
Classification: Uncertain significance for Developmental and epileptic encephalopathy, 42; Episodic ataxia type 2. Last evaluated: 2024-11-23. Review status: criteria provided, single submitter. Criteria: Invitae Variant Classification Sherloc (09022015). Collection method: clinical testing. Allele origin: germline.
Comment: This sequence change replaces tyrosine, which is neutral and polar, with cysteine, which is neutral and slightly polar, at codon 1588 of the CACNA1A protein (p.Tyr1588Cys). This variant is not present in population databases (gnomAD no frequency). This variant has not been reported in the literature in individuals affected with CACNA1A-related conditions. ClinVar contains an entry for this variant (Variation ID: 2574366). Invitae Evidence Modeling of protein sequence and biophysical properties (such as structural, functional, and spatial information, amino acid conservation, physicochemical variation, residue mobility, and thermodynamic stability) has been performed for this missense variant. However, the output from this modeling did not meet the statistical confidence thresholds required to predict the impact of this variant on CACNA1A protein function. In summary, the available evidence is currently insufficient to determine the role of this variant in disease. Therefore, it has been classified as a Variant of Uncertain Significance.